The following is an entry in ClinVar:

NM_000117.3(EMD):c.717_718del (p.Phe240fs)

Gene: EMD (emerin; plus strand). Cytogenetic location: Xq28.
Variant type: Microsatellite.
Coding change: c.717_718del on transcript NM_000117.3 (MANE Select); coding-DNA positions 717 to 718, 2 bases deleted (CT; older notation c.717_718delCT).
Protein change: p.Phe240fs; shifts the reading frame from phenylalanine 240.
Molecular consequence: frameshift variant.
Genome position (GRCh38, 1-based): chrX:154,381,149-154,381,150, CT deleted; deleting any 2 consecutive bases within chrX:154,381,147-154,381,150 gives the same sequence; the c. name uses the placement nearest the transcript's 3' end. VCF-style (leftmost placement, unchanged base first): chrX-154381146-CCT-C. GRCh37 (hg19) VCF-style: chrX-153609506-CCT-C.
Other names: c.717_718delCT (NM_000117.2); short protein forms F240fs.
Identifiers: ClinVar variation 661271 (VCV000661271.9), dbSNP rs1603366041, ClinGen allele CA915952185.
Genomic context (GRCh38, chrX:154,381,146, plus strand): 5'-CCAGGATCGCCAGGTCCCGCTCTGGGGCCAGCTGCTGCTTTTCCTGGTCTTTGTGATCGT[CCT>C]CTTCTTCATTTACCACTTCATGCAGGCTGAAGAAGGCAACCCCTTCTAGAGGGAGCCATG-3'

ClinVar aggregate classification (germline): Uncertain significance (1 of 4 stars; one submission).

Conditions:
X-linked Emery-Dreifuss muscular dystrophy. Also called: Muscular dystrophy, tardive Emery-Dreifuss type, with contractures. Identifiers: Orphanet 261, Orphanet 98863, MedGen C0751337, MONDO:0010680.

Submission:

Labcorp Genetics (formerly Invitae), Labcorp
Classification: Uncertain significance for X-linked Emery-Dreifuss muscular dystrophy. Last evaluated: 2024-04-30. Review status: criteria provided, single submitter. Criteria: Invitae Variant Classification Sherloc (09022015). Collection method: clinical testing. Allele origin: germline.
Comment: This sequence change creates a premature translational stop signal (p.Phe240Leufs*9) in the EMD gene. While this is not anticipated to result in nonsense mediated decay, it is expected to disrupt the last 15 amino acid(s) of the EMD protein. This variant is not present in population databases (gnomAD no frequency). This variant has not been reported in the literature in individuals affected with EMD-related conditions. ClinVar contains an entry for this variant (Variation ID: 661271). Experimental studies and prediction algorithms are not available or were not evaluated, and the functional significance of this variant is currently unknown. In summary, the available evidence is currently insufficient to determine the role of this variant in disease. Therefore, it has been classified as a Variant of Uncertain Significance.